The following is an entry in ClinVar:

NM_002107.7(H3-3A):c.137C>T (p.Thr46Ile)

Gene: H3-3A (H3.3 histone A; plus strand). Cytogenetic location: 1q42.12.
Variant type: single nucleotide variant.
Coding change: c.137C>T on transcript NM_002107.7 (MANE Select); coding-DNA position 137, C replaced by T.
Protein change: p.Thr46Ile; replaces threonine 46 with isoleucine.
Molecular consequence: missense variant.
Genome position (GRCh38, 1-based): chr1:226,065,664, C>T. VCF-style: chr1-226065664-C-T. GRCh37 (hg19) VCF-style: chr1-226253365-C-T.
Other names: H3F3A, THR46ILE; c.137C>T, p.Thr46Ile (NM_001379043.1, NM_001379045.1, NM_001379046.1 and 1 more transcripts); short protein forms T46I.
Identifiers: ClinVar variation 985335 (VCV000985335.33), dbSNP rs1657901999, ClinGen allele CA345016519.

ClinVar aggregate classification (germline): Pathogenic/Likely pathogenic. Review status: criteria provided, multiple submitters, no conflicts (2 of 4 stars). 5 submissions from 5 submitters: Pathogenic (2); Likely pathogenic (1). 2 of the submissions do not count toward it. Last evaluated 2025-11-13.

Conditions:
Bryant-Li-Bhoj neurodevelopmental syndrome 1 (BRYLIB1). Identifiers: MedGen C5676905, MONDO:0030606, OMIM 619720.
Inborn genetic diseases. Identifiers: MedGen C0950123, MeSH D030342.

Submissions (5):

3billion
Classification: Pathogenic for Bryant-Li-Bhoj neurodevelopmental syndrome 1. Last evaluated: 2025-11-13. Review status: criteria provided, single submitter. Criteria: ACMG Guidelines, 2015. Collection method: clinical testing. Allele origin: germline. Affected: yes.
Comment: The variant is not observed in the gnomAD v4.1.0 dataset. Predicted Consequence/Location: Missense variant. Missense changes are a common disease-causing mechanism. The same nucleotide change resulting in the same amino acid change has been previously reported as pathogenic/likely pathogenic with strong evidence (ClinVar ID: VCV000985335 /PMID: 33268356). The variant has been previously reported as de novo in at least two similarly affected unrelated individuals (PMID: 33268356). The variant has been observed in at least two similarly affected unrelated individuals (PMID: 33268356). Therefore, this variant is classified as Pathogenic according to the recommendation of ACMG/AMP guideline.

Equipe Genetique des Anomalies du Developpement, Université de Bourgogne
Classification: Pathogenic for Bryant-Li-Bhoj neurodevelopmental syndrome 1. Last evaluated: 2024-12-09. Review status: criteria provided, single submitter. Criteria: ACMG Guidelines, 2015. Collection method: clinical testing. Allele origin: de novo. Affected: yes.
Comment: This is a missense, heterozygous variant NM_002107.7:c.137C>T p.(Thr46Ile) in the gene H3-3A. In silico prediction scores are in favour of a deleterious effect. This variant impacts an amino acid that is 100% conserved in vertebrates and is situated in a functional domain. It was previously reported as likely pathogenic and pathogenic in ClinVar (VCV000985335.30) and is not present in population database gnomAD (v4.1.0). Pathogenic monoallelic variants in this gene are responsible for Bryant-Li-Bhoj type 1 syndrome (MIM #619720), of autosomal dominant transmission. According to available evidence, this variant is considered to be pathogenic.

Ambry Genetics
Classification: Likely pathogenic for Inborn genetic diseases. Last evaluated: 2018-12-07. Review status: criteria provided, single submitter. Criteria: Ambry exome assertion method (8-5-2015). Collection method: clinical testing. Allele origin: germline. Affected: yes. Observed: 1 variant allele.

OMIM
Classification: Pathogenic for BRYANT-LI-BHOJ NEURODEVELOPMENTAL SYNDROME 1. Last evaluated: 2022-02-01. Review status: no assertion criteria provided. Collection method: literature only. Allele origin: germline. Not counted in ClinVar's aggregate classification.

Developmental and Behavioral Pediatrics, First Affiliated Hospital of Jilin University
Classification: Pathogenic for Bryant-Li-Bhoj neurodevelopmental syndrome 1. Review status: no assertion criteria provided. Collection method: clinical testing. Allele origin: de novo. Not counted in ClinVar's aggregate classification.

Literature cited by the submitters: PubMed 33268356 (cited by 3billion and OMIM).